The following is an entry in ClinVar:

ClinVar aggregate classification (germline): no classifications from unflagged records (0 of 4 stars; one submission).

Conditions:
Autosomal dominant nonsyndromic hearing loss 40. Also called: Deafness, autosomal dominant 40. Identifiers: Orphanet 90635, MedGen C4084708, MONDO:0014603, OMIM 616357.

Submission:

OMIM
Classification: Pathogenic for DEAFNESS, AUTOSOMAL DOMINANT 40. Last evaluated: 2003-01-01. Review status: flagged submission. Collection method: literature only. Allele origin: germline.
ClinVar note: Notes: Flagging candidate with reason of insufficient supporting evidence. This gene has been classified as having a limited gene-disease relationship by a ClinGen Expert Panel.
ClinVar note: Reason: Other

Literature cited by the submitters: PubMed 12471561.

NM_001376256.1(CRYM):c.945A>T (p.Ter315Tyr)

Gene: CRYM (crystallin mu; minus strand). Cytogenetic location: 16p12.2.
Variant type: single nucleotide variant.
Coding change: c.945A>T on transcript NM_001376256.1 (MANE Select); coding-DNA position 945, A replaced by T.
Protein change: p.Ter315Tyr.
Molecular consequence: stop lost.
Genome position (GRCh38, 1-based): chr16:21,258,781, T>A on the plus strand (A>T on the coding strand, the complement: CRYM is on the minus strand). VCF-style: chr16-21258781-T-A. GRCh37 (hg19) VCF-style: chr16-21270102-T-A.
Other names: *315Y; c.945A>T, p.Ter315Tyr (NM_001888.5).
Identifiers: ClinVar variation 16934 (VCV000016934.1), dbSNP rs104894509, ClinGen allele CA126992.